The following is an entry in ClinVar:

NM_000257.4(MYH7):c.2467G>C (p.Gly823Arg)

Genes: MYH7 (myosin heavy chain 7; minus strand), LOC126861898 (BRD4-independent group 4 enhancer GRCh37_chr14:23893609-23894808; plus strand). Cytogenetic location: 14q11.2.
Variant type: single nucleotide variant.
Coding change: c.2467G>C on transcript NM_000257.4 (MANE Select); coding-DNA position 2467, G replaced by C.
Protein change: p.Gly823Arg; replaces glycine 823 with arginine.
Molecular consequence: missense variant.
Genome position (GRCh38, 1-based): chr14:23,424,981, C>G on the plus strand (G>C on the coding strand, the complement: MYH7 is on the minus strand). VCF-style: chr14-23424981-C-G. GRCh37 (hg19) VCF-style: chr14-23894190-C-G.
Other names: c.2467G>C (NM_000257.2); short protein forms G823R.
Identifiers: ClinVar variation 580010 (VCV000580010.14), dbSNP rs1566531657, ClinGen allele CA389048351.

ClinVar aggregate classification (germline): Conflicting classifications of pathogenicity. Review status: criteria provided, conflicting classifications (1 of 4 stars). 3 submissions from 3 submitters: Pathogenic (1); Likely pathogenic (1); Uncertain significance (1). Last evaluated 2023-10-23.

Conditions:
Hypertrophic cardiomyopathy. Also called: HYPERTROPHIC MYOCARDIOPATHY. Identifiers: Orphanet 217569, MedGen C0007194, MeSH D002312, MONDO:0005045, HP:0001639.

Submissions (3):

GeneDx
Classification: Likely pathogenic. Last evaluated: 2023-10-23. Review status: criteria provided, single submitter. Criteria: GeneDx Variant Classification Process June 2021. Collection method: clinical testing. Allele origin: germline.
Comment: Has not been previously published as pathogenic or benign to our knowledge; Not observed at significant frequency in large population cohorts (gnomAD); In silico analysis supports that this missense variant does not alter protein structure/function; This variant is associated with the following publications: (PMID: 27532257, 29300372)

Labcorp Genetics (formerly Invitae), Labcorp
Classification: Pathogenic for Hypertrophic cardiomyopathy. Last evaluated: 2020-11-16. Review status: criteria provided, single submitter. Criteria: Invitae Variant Classification Sherloc (09022015). Collection method: clinical testing. Allele origin: germline.
Comment: This sequence change replaces glycine with arginine at codon 823 of the MYH7 protein (p.Gly823Arg). The glycine residue is highly conserved and there is a moderate physicochemical difference between glycine and arginine. This variant is not present in population databases (ExAC no frequency). For these reasons, this variant has been classified as Pathogenic. Algorithms developed to predict the effect of missense changes on protein structure and function (SIFT, PolyPhen-2, Align-GVGD) all suggest that this variant is likely to be disruptive, but these predictions have not been confirmed by published functional studies and their clinical significance is uncertain. This variant is found within a region of MYH7 between codons 181 and 937 that contains the majority of the myosin head domain. Missense variants in this region have been shown to be significantly overrepresented in individuals with hypertrophic cardiomyopathy (PMID: 27532257). This variant has been observed in individuals with clinical features of dilated cardiomyopathy and/or left ventricular noncompaction (Invitae). In at least one individual the variant was observed to be de novo. ClinVar contains an entry for this variant (Variation ID: 580010).

Revvity Omics, Revvity
Classification: Uncertain significance. Last evaluated: 2019-10-21. Review status: criteria provided, single submitter. Criteria: ACMG Guidelines, 2015. Collection method: clinical testing. Allele origin: germline.

Literature cited by the submitters: PubMed 27532257 (cited by Labcorp Genetics (formerly Invitae), Labcorp).